The following is an entry in ClinVar:

NM_001367721.1(CASK):c.2384A>G (p.Gln795Arg)

Gene: CASK (calcium/calmodulin dependent serine protein kinase; minus strand). Cytogenetic location: Xp11.4.
Variant type: single nucleotide variant.
Coding change: c.2384A>G on transcript NM_001367721.1 (MANE Select); coding-DNA position 2384, A replaced by G.
Protein change: p.Gln795Arg; replaces glutamine 795 with arginine.
Molecular consequence: missense variant.
Genome position (GRCh38, 1-based): chrX:41,531,143, T>C on the plus strand (A>G on the coding strand, the complement: CASK is on the minus strand). VCF-style: chrX-41531143-T-C. GRCh37 (hg19) VCF-style: chrX-41390396-T-C.
Other names: c.2300A>G, p.Gln767Arg (NM_001126054.3); c.2297A>G, p.Gln766Arg (NM_001126055.3); c.2366A>G, p.Gln789Arg (NM_001410745.1); c.2369A>G, p.Gln790Arg (NM_003688.4); short protein forms Q766R, Q790R, Q767R, Q795R, Q789R.
Identifiers: ClinVar variation 1466498 (VCV001466498.8), dbSNP rs2147086271, ClinGen allele CA412990429.
Genomic context (GRCh38, chrX:41,531,143, plus strand): 5'-ATCGCATCCTCGTGGCTGCCGTACTCCAAGTACTCGTTATTAGAGATGTCTTGCATCATT[T>C]GGTCATGAGATACAAAGTAATAATTCTTTCCATTTTCTTCGTCTTTCTTTGGAGGTCTGG-3'
Protein context (NP_001354650.1, residues 785-805): GKNYYFVSHD[Gln795Arg]MMQDISNNEY

ClinVar aggregate classification (germline): Uncertain significance (1 of 4 stars; one submission).

Conditions:
Intellectual disability, CASK-related, X-linked. Identifiers: MedGen CN043158.

Submission:

Labcorp Genetics (formerly Invitae), Labcorp
Classification: Uncertain significance for Intellectual disability, CASK-related, X-linked. Last evaluated: 2021-03-29. Review status: criteria provided, single submitter. Criteria: Invitae Variant Classification Sherloc (09022015). Collection method: clinical testing. Allele origin: germline.
Comment: This variant is not present in population databases (ExAC no frequency). In summary, the available evidence is currently insufficient to determine the role of this variant in disease. Therefore, it has been classified as a Variant of Uncertain Significance. Algorithms developed to predict the effect of missense changes on protein structure and function are either unavailable or do not agree on the potential impact of this missense change (SIFT: "Deleterious"; PolyPhen-2: "Benign"; Align-GVGD: "Class C35"). This variant has not been reported in the literature in individuals with CASK-related conditions. This sequence change replaces glutamine with arginine at codon 790 of the CASK protein (p.Gln790Arg). The glutamine residue is highly conserved and there is a small physicochemical difference between glutamine and arginine.